The following is an entry in ClinVar:

NM_203446.3(SYNJ1):c.2475TCT[1] (p.Leu827del)

Gene: SYNJ1 (synaptojanin 1; minus strand). Cytogenetic location: 21q22.11.
Variant type: Microsatellite.
Coding change: c.2475TCT[1] on transcript NM_203446.3 (MANE Select); one copy of the 3-base unit TCT starting at c.2475; the reference has two copies in a row; one copy, 3 bases deleted.
Protein change: p.Leu827del; deletes leucine 827.
Molecular consequence: inframe deletion. On other transcripts: inframe indel (2).
Genome position (GRCh38, 1-based): chr21:32,657,102-32,657,104, AGA deleted on the plus strand (TCT on the coding strand, the reverse complement: SYNJ1 is on the minus strand); deleting any 3 consecutive bases within chr21:32,657,102-32,657,107 gives the same sequence; the position shown is the placement nearest the transcript's 3' end. VCF-style (leftmost placement, unchanged base first): chr21-32657101-TAGA-T. GRCh37 (hg19) VCF-style: chr21-34029411-TAGA-T.
Other names: c.2475_2477TCT[1], p.Leu827del (NM_001160302.2); c.2460TCT[1], p.Leu822del (NM_001160306.2); c.2592_2594TCT[1], p.Leu866del (NM_003895.4); c.2595_2597delTCT (NM_003895.3); short protein forms L866del, L822del, L827del.
Identifiers: ClinVar variation 567697 (VCV000567697.7), dbSNP rs769856515, ClinGen allele CA10003651.

ClinVar aggregate classification (germline): Uncertain significance (1 of 4 stars; one submission).

Conditions:
Early-onset Parkinson disease 20. Also called: PARKINSON DISEASE 20, AUTOSOMAL RECESSIVE EARLY-ONSET. Identifiers: Orphanet 391411, MedGen C3809824, MONDO:0014233, OMIM 615530.
Developmental and epileptic encephalopathy, 53. Also called: Epileptic encephalopathy, early infantile, 53. Identifiers: MedGen C4479313, MONDO:0033362, OMIM 617389.

Submission:

Labcorp Genetics (formerly Invitae), Labcorp
Classification: Uncertain significance for Developmental and epileptic encephalopathy, 53; Early-onset Parkinson disease 20. Last evaluated: 2022-02-03. Review status: criteria provided, single submitter. Criteria: Invitae Variant Classification Sherloc (09022015). Collection method: clinical testing. Allele origin: germline.
Comment: ClinVar contains an entry for this variant (Variation ID: 567697). In summary, the available evidence is currently insufficient to determine the role of this variant in disease. Therefore, it has been classified as a Variant of Uncertain Significance. Experimental studies and prediction algorithms are not available or were not evaluated, and the functional significance of this variant is currently unknown. This variant has not been reported in the literature in individuals affected with SYNJ1-related conditions. This variant is present in population databases (rs769856515, gnomAD 0.002%). This variant, c.2595_2597del, results in the deletion of 1 amino acid(s) of the SYNJ1 protein (p.Leu866del), but otherwise preserves the integrity of the reading frame.